The following is an entry in ClinVar:

ClinVar aggregate classification (germline): Uncertain significance. Review status: criteria provided, multiple submitters, no conflicts (2 of 4 stars). 2 submissions from 2 submitters: Uncertain significance (2). Last evaluated 2024-05-30.

Allele frequency attached by ClinVar (database versions not stated): TOPMed below 0.00001; gnomAD 0.00002; gnomAD exomes 0.00004; ExAC 0.00005; 1000 Genomes Project 0.00020; 1000 Genomes Project 30x 0.00031.
gnomAD v4.1: 58 of 1,613,966 alleles (0.0036%); highest among the groups gnomAD compares: South Asian, 0.051%; 1 homozygote.

Submissions (2):

Ambry Genetics
Classification: Uncertain significance. Last evaluated: 2024-05-30. Review status: criteria provided, single submitter. Criteria: Ambry Variant Classification Scheme 2023. Collection method: clinical testing. Allele origin: germline.

Labcorp Genetics (formerly Invitae), Labcorp
Classification: Uncertain significance. Last evaluated: 2021-12-20. Review status: criteria provided, single submitter. Criteria: Invitae Variant Classification Sherloc (09022015). Collection method: clinical testing. Allele origin: germline.
Comment: This sequence change replaces asparagine, which is neutral and polar, with aspartic acid, which is acidic and polar, at codon 312 of the ADD3 protein (p.Asn312Asp). This variant is present in population databases (rs559948935, gnomAD 0.03%). This variant has not been reported in the literature in individuals affected with ADD3-related conditions. Algorithms developed to predict the effect of missense changes on protein structure and function are either unavailable or do not agree on the potential impact of this missense change (SIFT: "Not Available"; PolyPhen-2: "Possibly Damaging"; Align-GVGD: "Not Available"). In summary, the available evidence is currently insufficient to determine the role of this variant in disease. Therefore, it has been classified as a Variant of Uncertain Significance.

NM_016824.5(ADD3):c.934A>G (p.Asn312Asp)

Gene: ADD3 (adducin 3; plus strand). Cytogenetic location: 10q25.2.
Variant type: single nucleotide variant.
Coding change: c.934A>G on transcript NM_016824.5 (MANE Select); coding-DNA position 934, A replaced by G.
Protein change: p.Asn312Asp; replaces asparagine 312 with aspartic acid.
Molecular consequence: missense variant.
Genome position (GRCh38, 1-based): chr10:110,119,538, A>G. VCF-style: chr10-110119538-A-G. GRCh37 (hg19) VCF-style: chr10-111879296-A-G.
Other names: c.934A>G, p.Asn312Asp (NM_001121.4, NM_001320591.2, NM_001320592.2 and 2 more transcripts); c.700A>G, p.Asn234Asp (NM_001320594.2); c.934A>G (NM_016824.3); short protein forms N312D, N234D.
Identifiers: ClinVar variation 1947159 (VCV001947159.3), dbSNP rs559948935, ClinGen allele CA5686491.